The following is an entry in ClinVar:

NM_004082.5(DCTN1):c.2706G>A (p.Lys902=)

Gene: DCTN1 (dynactin subunit 1; minus strand). Cytogenetic location: 2p13.1.
Variant type: single nucleotide variant.
Coding change: c.2706G>A on transcript NM_004082.5 (MANE Select); coding-DNA position 2706, G replaced by A.
Protein change: p.Lys902=; no amino-acid change (lysine 902 retained).
Molecular consequence: synonymous variant. On other transcripts: non-coding transcript variant (1).
Genome position (GRCh38, 1-based): chr2:74,366,298, C>T on the plus strand (G>A on the coding strand, the complement: DCTN1 is on the minus strand). VCF-style: chr2-74366298-C-T. GRCh37 (hg19) VCF-style: chr2-74593425-C-T.
Other names: c.2646G>A, p.Lys882= (NM_001135040.3); c.2304G>A, p.Lys768= (NM_001135041.3, NM_023019.4); c.2595G>A, p.Lys865= (NM_001190836.2); c.2685G>A, p.Lys895= (NM_001190837.2); c.2655G>A, p.Lys885= (NM_001378991.1); c.2637G>A, p.Lys879= (NM_001378992.1).
Identifiers: ClinVar variation 2934139 (VCV002934139.5), dbSNP rs779558765, ClinGen allele CA1721760.
Genomic context (GRCh38, chr2:74,366,298, plus strand): 5'-ACCTACCTTGCTGGGGGGCCGCTCTGCATCATACTCCCCCTCCTGCATGGCTGTGGCCAG[C>T]TTGTTCATGGTACTGATGAGGATGTTGCATGACTGGCGCAGACACTCATAGGGGCTGCTG-3'
Protein context (NP_004073.2, residues 892-912): SCNILISTMN[Lys902=]LATAMQEGEY

ClinVar aggregate classification (germline): Likely benign. Review status: criteria provided, multiple submitters, no conflicts (2 of 4 stars). 3 submissions from 3 submitters: Likely benign (3). Last evaluated 2025-07-14.

Conditions:
Perry syndrome. Also called: PARKINSONISM WITH ALVEOLAR HYPOVENTILATION AND MENTAL DEPRESSION. Identifiers: Orphanet 178509, MedGen C1868594, MONDO:0008201, OMIM 168605.
Amyotrophic lateral sclerosis type 1 (ALS1). Also called: AMYOTROPHIC LATERAL SCLEROSIS 1, FAMILIAL. Identifiers: Orphanet 803, MedGen C1862939, MONDO:0007103, OMIM 105400.
Neuronopathy, distal hereditary motor, type 7B. Also called: Distal Hereditary Motor Neuronopathy Type 7B (dHMN7B); NEURONOPATHY, DISTAL HEREDITARY MOTOR, AUTOSOMAL DOMINANT 14; NEURONOPATHY, DISTAL HEREDITARY MOTOR, HARDING TYPE VIIB; NEUROPATHY, DISTAL HEREDITARY MOTOR, HARDING TYPE VIIB; NEUROPATHY, DISTAL HEREDITARY MOTOR, WITH VOCAL CORD PARALYSIS, HARDING TYPE VIIB; HMN VIIB. Identifiers: Orphanet 139589, MedGen C1843315, MONDO:0011879, OMIM 607641.
DCTN1-related disorder. Also called: DCTN1-related condition.

Allele frequency attached by ClinVar (database versions not stated): gnomAD 0.00001; gnomAD exomes 0.00001; TOPMed 0.00001; ExAC 0.00002.
gnomAD v4.1: 22 of 1,614,124 alleles (0.0014%); highest among the groups gnomAD compares: Middle Eastern, 0.016%; no homozygotes.

Submissions (3):

Labcorp Genetics (formerly Invitae), Labcorp
Classification: Likely benign for Amyotrophic lateral sclerosis type 1; Neuronopathy, distal hereditary motor, type 7B; Perry syndrome. Last evaluated: 2025-07-14. Review status: criteria provided, single submitter. Criteria: Invitae Variant Classification Sherloc (09022015). Collection method: clinical testing. Allele origin: germline.

PreventionGenetics, part of Exact Sciences
Classification: Likely benign for DCTN1-related condition. Last evaluated: 2024-12-15. Review status: criteria provided, single submitter. Criteria: ACMG Guidelines, 2015. Collection method: clinical testing. Allele origin: germline.
Comment: This variant is classified as likely benign based on ACMG/AMP sequence variant interpretation guidelines (Richards et al. 2015 PMID: 25741868, with internal and published modifications).

Blueprint Genetics
Classification: Likely benign. Last evaluated: 2024-05-31. Review status: criteria provided, single submitter. Criteria: ACMG Guidelines, 2015. Collection method: clinical testing. Allele origin: germline.